The following is an entry in ClinVar:

NM_032043.3(BRIP1):c.53del (p.Pro18fs)

Gene: BRIP1 (BRCA1 interacting DNA helicase 1; minus strand). Cytogenetic location: 17q23.2.
Variant type: Deletion.
Coding change: c.53del on transcript NM_032043.3 (MANE Select); coding-DNA position 53, one base deleted (C; older notation c.53delC).
Protein change: p.Pro18fs; shifts the reading frame from proline 18.
Molecular consequence: frameshift variant.
Genome position (GRCh38, 1-based): chr17:61,861,487, G deleted on the plus strand (C on the coding strand, the reverse complement: BRIP1 is on the minus strand); the first of 2 consecutive G bases (chr17:61,861,487-61,861,488); deleting either gives the same sequence. VCF-style (leftmost placement, unchanged base first): chr17-61861486-AG-A. GRCh37 (hg19) VCF-style: chr17-59938847-AG-A.
Other names: c.53delC (NM_032043.2); short protein forms P18fs.
Identifiers: ClinVar variation 1747295 (VCV001747295.4), dbSNP rs2545480564, ClinGen allele CA2580094661.

ClinVar aggregate classification (germline): Pathogenic. Review status: criteria provided, multiple submitters, no conflicts (2 of 4 stars). 2 submissions from 2 submitters: Pathogenic (2). Last evaluated 2023-05-30.

Conditions:
Hereditary cancer-predisposing syndrome. Also called: Hereditary Cancer Syndrome; Neoplastic Syndromes, Hereditary; Tumor predisposition; Hereditary neoplastic syndrome. Identifiers: Orphanet 140162, MedGen C0027672, MeSH D009386, MONDO:0015356.
Familial cancer of breast. Also called: BREAST CANCER, FAMILIAL; Hereditary breast cancer; hereditary breast carcinoma. Identifiers: Orphanet 227535, MedGen C0346153, MONDO:0016419, OMIM 114480. Disease mechanism: loss of function.

Submissions (2):

Myriad Genetics, Inc.
Classification: Pathogenic for Familial cancer of breast. Last evaluated: 2023-05-30. Review status: criteria provided, single submitter. Criteria: Myriad Autosomal Dominant, Autosomal Recessive and X-Linked Classification Criteria (2023). Collection method: clinical testing. Allele origin: unknown.
Comment: This variant is considered pathogenic. This variant creates a frameshift predicted to result in premature protein truncation.

Ambry Genetics
Classification: Pathogenic for Hereditary cancer-predisposing syndrome. Last evaluated: 2016-09-21. Review status: criteria provided, single submitter. Criteria: Ambry Variant Classification Scheme 2023. Collection method: clinical testing. Allele origin: germline.
Comment: The c.53delC pathogenic mutation, located in coding exon 1 of the BRIP1 gene, results from a deletion of one nucleotide at nucleotide position 53, causing a translational frameshift with a predicted alternate stop codon. This alteration is expected to result in loss of function by premature protein truncation or nonsense-mediated mRNA decay. As such, this alteration is interpreted as a disease-causing mutation.